The following is an entry in ClinVar:

ClinVar aggregate classification (germline): Pathogenic (1 of 4 stars; one submission).

Conditions:
Familial melanoma. Also called: Hereditary melanoma; Hereditary cutaneous melanoma. Identifiers: Orphanet 618, MedGen C1512419, MONDO:0018961.

Submission:

Labcorp Genetics (formerly Invitae), Labcorp
Classification: Pathogenic for Familial melanoma. Last evaluated: 2023-07-14. Review status: criteria provided, single submitter. Criteria: Invitae Variant Classification Sherloc (09022015). Collection method: clinical testing. Allele origin: germline.
Comment: This sequence change creates a premature translational stop signal (p.Arg80Aspfs*66) in the CDKN2A (p16INK4a) gene. While this is not anticipated to result in nonsense mediated decay, it is expected to disrupt the last 77 amino acid(s) of the CDKN2A (p16INK4a) protein. For these reasons, this variant has been classified as Pathogenic. While the evidence indicates that this variant confers risk of developing CDKN2A (p16INK4a)-associated conditions, its association with risk for developing CDKN2A (p14ARF)-associated conditions is still unclear. For these reasons, this variant has been classified as Pathogenic. While the evidence indicates that this variant confers risk of developing CDKN2A (p16INK4a)-associated conditions, its association with risk for developing CDKN2A (p14ARF)-associated conditions is still unclear. This variant disrupts a region of the CDKN2A (p16INK4a) protein in which other variant(s) (p.Gly101Trp) have been determined to be pathogenic (PMID: 7987387, 10869234, 11556834, 11807902, 20340136, 21462282, 21801156). This suggests that this is a clinically significant region of the protein, and that variants that disrupt it are likely to be disease-causing. ClinVar contains an entry for this variant (Variation ID: 579066). This variant is also known as c.281del (p.Pro94Argfs*78) in the CDKN2A (p14ARF) transcript. This variant has not been reported in the literature in individuals affected with CDKN2A (p16INK4a)-related conditions. This variant is not present in population databases (gnomAD no frequency). The CDKN2A gene encodes two different proteins, p16INK4a and p14ARF, which are translated from alternative transcripts with different open reading frames. Both transcripts have been analyzed. We report either the variant with the higher classification or default to the CDKN2A (p16INK4a) variant. This report therefore includes the details for the CDKN2A (p16INK4a) variant.

Literature cited by the submitters: PubMed 7987387; PubMed 10869234; PubMed 11556834; PubMed 11807902; PubMed 20340136; PubMed 21462282; PubMed 21801156.

NM_000077.5(CDKN2A):c.238del (p.Arg80fs)

Gene: CDKN2A (cyclin dependent kinase inhibitor 2A; minus strand). Cytogenetic location: 9p21.3.
Variant type: Deletion.
Coding change: c.238del on transcript NM_000077.5; coding-DNA position 238, one base deleted (C; older notation c.238delC).
Protein change: p.Arg80fs; shifts the reading frame from arginine 80.
Molecular consequence: frameshift variant (on NM_000077.4). On other transcripts: 3 prime UTR variant (1).
Genome position (GRCh38, 1-based): chr9:21,971,121, G deleted on the plus strand (C on the coding strand, the reverse complement: CDKN2A is on the minus strand); the first of 3 consecutive G bases (chr9:21,971,121-21,971,123); deleting any one gives the same sequence. VCF-style (leftmost placement, unchanged base first): chr9-21971120-CG-C. GRCh37 (hg19) VCF-style: chr9-21971119-CG-C.
Other names: c.238delC (NM_000077.4); c.236delC, p.Arg80Aspfs (NM_000077.6); c.238del, p.Arg80fs (NM_001195132.2); c.85del, p.Arg29fs (NM_001363763.2); c.281del, p.Pro94fs (NM_058195.4); c.*161del (NM_058197.5); short protein forms P94fs, R80fs, R29fs.
Identifiers: ClinVar variation 579066 (VCV000579066.8), dbSNP rs1563889584, ClinGen allele CA645552500.